The following is an entry in ClinVar:

ClinVar aggregate classification (germline): Uncertain significance. Review status: criteria provided, multiple submitters, no conflicts (2 of 4 stars). 2 submissions from 2 submitters: Uncertain significance (2). Last evaluated 2025-08-19.

Conditions:
Inborn genetic diseases. Identifiers: MedGen C0950123, MeSH D030342.

Allele frequency attached by ClinVar (database versions not stated): gnomAD 0.00002; ESP Exome Variant Server 0.00008; gnomAD exomes 0.00004 and 0.00001; TOPMed 0.00005; ExAC 0.00003.
gnomAD v4.1: 25 of 1,614,146 alleles (0.0015%); highest among the groups gnomAD compares: Admixed American, 0.01%; no homozygotes.

Submissions (2):

Ambry Genetics
Classification: Uncertain significance for Inborn genetic diseases. Last evaluated: 2025-08-19. Review status: criteria provided, single submitter. Criteria: Ambry Variant Classification Scheme 2023. Collection method: clinical testing. Allele origin: germline.

Labcorp Genetics (formerly Invitae), Labcorp
Classification: Uncertain significance. Last evaluated: 2021-11-22. Review status: criteria provided, single submitter. Criteria: Invitae Variant Classification Sherloc (09022015). Collection method: clinical testing. Allele origin: germline.
Comment: This sequence change replaces aspartic acid, which is acidic and polar, with asparagine, which is neutral and polar, at codon 378 of the XYLT2 protein (p.Asp378Asn). This variant is present in population databases (rs142963935, gnomAD 0.01%). This variant has not been reported in the literature in individuals affected with XYLT2-related conditions. Algorithms developed to predict the effect of missense changes on protein structure and function are either unavailable or do not agree on the potential impact of this missense change (SIFT: "Deleterious"; PolyPhen-2: "Probably Damaging"; Align-GVGD: "Class C15"). In summary, the available evidence is currently insufficient to determine the role of this variant in disease. Therefore, it has been classified as a Variant of Uncertain Significance.

NM_022167.4(XYLT2):c.1132G>A (p.Asp378Asn)

Gene: XYLT2 (xylosyltransferase 2; plus strand). Cytogenetic location: 17q21.33.
Variant type: single nucleotide variant.
Coding change: c.1132G>A on transcript NM_022167.4 (MANE Select); coding-DNA position 1132, G replaced by A.
Protein change: p.Asp378Asn; replaces aspartic acid 378 with asparagine.
Molecular consequence: missense variant.
Genome position (GRCh38, 1-based): chr17:50,355,824, G>A. VCF-style: chr17-50355824-G-A. GRCh37 (hg19) VCF-style: chr17-48433185-G-A.
Other names: short protein forms D378N.
Identifiers: ClinVar variation 1436437 (VCV001436437.6), dbSNP rs142963935, ClinGen allele CA8646385.
Genomic context (GRCh38, chr17:50,355,824, plus strand): 5'-CTCTCTGCTGCCCACAGGTTCATCAAGAAACAGGGCCTGGACCGGCTCTTCCATGAGTGC[G>A]ACTCACACATGTGGCGCCTGGGCGAGCGGCAGATCCCAGCAGGCATTGTGGTGGATGGCG-3'
Protein context (NP_071450.2, residues 368-388): QGLDRLFHEC[Asp378Asn]SHMWRLGERQ